The following is an entry in ClinVar:

NM_000051.4(ATM):c.8027A>T (p.Glu2676Val)

Genes: ATM (ATM serine/threonine kinase; plus strand), C11orf65 (chromosome 11 open reading frame 65; minus strand). Cytogenetic location: 11q22.3.
Variant type: single nucleotide variant.
Coding change: c.8027A>T on transcript NM_000051.4 (MANE Select); coding-DNA position 8027, A replaced by T.
Protein change: p.Glu2676Val; replaces glutamic acid 2676 with valine.
Molecular consequence: missense variant. On other transcripts: intron variant (2).
Genome position (GRCh38, 1-based): chr11:108,334,985, A>T. VCF-style: chr11-108334985-A-T. GRCh37 (hg19) VCF-style: chr11-108205712-A-T.
Other names: c.8027A>T, p.Glu2676Val (NM_001351834.2); c.641-25914T>A (NM_001330368.2); c.*38+235T>A (NM_001351110.2); short protein forms E2676V.
Identifiers: ClinVar variation 1508791 (VCV001508791.7), dbSNP rs2136653996, ClinGen allele CA382561870.

ClinVar aggregate classification (germline): Uncertain significance (1 of 4 stars; one submission).

Conditions:
Ataxia-telangiectasia syndrome (AT). Also called: LOUIS-BAR SYNDROME; Cerebello-oculocutaneous telangiectasia; Immunodeficiency with ataxia telangiectasia; Ataxia telangiectasia (A-T); Ataxia-telangiectasia, complementation group D; AT, COMPLEMENTATION GROUP C. Identifiers: Orphanet 100, MedGen C0004135, MONDO:0008840, OMIM 208900.

Submission:

Labcorp Genetics (formerly Invitae), Labcorp
Classification: Uncertain significance for Ataxia-telangiectasia syndrome. Last evaluated: 2022-02-25. Review status: criteria provided, single submitter. Criteria: Invitae Variant Classification Sherloc (09022015). Collection method: clinical testing. Allele origin: germline.
Comment: This sequence change replaces glutamic acid, which is acidic and polar, with valine, which is neutral and non-polar, at codon 2676 of the ATM protein (p.Glu2676Val). This variant is not present in population databases (gnomAD no frequency). This variant has not been reported in the literature in individuals affected with ATM-related conditions. Algorithms developed to predict the effect of missense changes on protein structure and function (SIFT, PolyPhen-2, Align-GVGD) all suggest that this variant is likely to be tolerated. In summary, the available evidence is currently insufficient to determine the role of this variant in disease. Therefore, it has been classified as a Variant of Uncertain Significance.